The following is an entry in ClinVar:

NM_133259.4(LRPPRC):c.418G>T (p.Glu140Ter)

Gene: LRPPRC (leucine rich pentatricopeptide repeat containing; minus strand). Cytogenetic location: 2p21.
Variant type: single nucleotide variant.
Coding change: c.418G>T on transcript NM_133259.4 (MANE Select); coding-DNA position 418, G replaced by T.
Protein change: p.Glu140Ter; replaces glutamic acid 140 with a stop codon.
Molecular consequence: nonsense.
Genome position (GRCh38, 1-based): chr2:43,979,877, C>A on the plus strand (G>T on the coding strand, the complement: LRPPRC is on the minus strand). VCF-style: chr2-43979877-C-A. GRCh37 (hg19) VCF-style: chr2-44207016-C-A.
Other names: short protein forms E140*.
Identifiers: ClinVar variation 5013156 (VCV005013156.1).

ClinVar aggregate classification (germline): Pathogenic (1 of 4 stars; one submission).

Conditions:
Congenital lactic acidosis, Saguenay-Lac-Saint-Jean type (MC4DN5). Also called: CYTOCHROME c OXIDASE DEFICIENCY, FRENCH CANADIAN TYPE; COX DEFICIENCY, FRENCH CANADIAN TYPE; MITOCHONDRIAL COMPLEX IV DEFICIENCY, NUCLEAR TYPE 5. Identifiers: Orphanet 70472, MedGen C1857355, MONDO:0009069, OMIM 220111.

Submission:

Myriad Genetics, Inc.
Classification: Pathogenic for Congenital lactic acidosis, Saguenay-Lac-Saint-Jean type. Last evaluated: 2024-06-08. Review status: criteria provided, single submitter. Criteria: Myriad Autosomal Dominant, Autosomal Recessive and X-Linked Classification Criteria (2023). Collection method: clinical testing. Allele origin: unknown.
Comment: NM_133259.3(LRPPRC):c.418G>T(E140*) is expected to be pathogenic in the context of Leigh syndrome, French-Canadian type. This variant is predicted to lead to an abnormal or absent protein product due to the creation of a premature termination codon in LRPPRC, a gene where loss-of-function variants are known to be pathogenic. Please note: this variant was assessed in the context of healthy population screening.